The following is an entry in ClinVar:

NM_000051.4(ATM):c.901+14del

Gene: ATM (ATM serine/threonine kinase; plus strand). Cytogenetic location: 11q22.3.
Variant type: Deletion.
Coding change: c.901+14del on transcript NM_000051.4 (MANE Select); 14 bases into the intron after coding-DNA position 901, one base deleted (G; older notation c.901+14delG).
Molecular consequence: intron variant.
Genome position (GRCh38, 1-based): chr11:108,245,040, G deleted. VCF-style (leftmost placement, unchanged base first): chr11-108245039-TG-T. GRCh37 (hg19) VCF-style: chr11-108115766-TG-T.
Other names: c.901+14del (NM_001351834.2); c.901+14delG (NM_000051.3).
Identifiers: ClinVar variation 421294 (VCV000421294.1), dbSNP rs1064795038, ClinGen allele CA16619103.

ClinVar aggregate classification (germline): Likely benign (1 of 4 stars; one submission).

Submission:

GeneDx
Classification: Likely benign. Last evaluated: 2016-05-24. Review status: criteria provided, single submitter. Criteria: GeneDx Variant Classification (06012015). Collection method: clinical testing. Allele origin: germline. Affected: yes.
Comment: This variant is considered likely benign or benign based on one or more of the following criteria: it is a conservative change, it occurs at a poorly conserved position in the protein, it is predicted to be benign by multiple in silico algorithms, and/or has population frequency not consistent with disease.